The following is an entry in ClinVar:

NM_004836.7(EIF2AK3):c.989A>C (p.Glu330Ala)

Gene: EIF2AK3 (eukaryotic translation initiation factor 2 alpha kinase 3; minus strand). Cytogenetic location: 2p11.2.
Variant type: single nucleotide variant.
Coding change: c.989A>C on transcript NM_004836.7 (MANE Select); coding-DNA position 989, A replaced by C.
Protein change: p.Glu330Ala; replaces glutamic acid 330 with alanine.
Molecular consequence: missense variant.
Genome position (GRCh38, 1-based): chr2:88,590,831, T>G on the plus strand (A>C on the coding strand, the complement: EIF2AK3 is on the minus strand). VCF-style: chr2-88590831-T-G. GRCh37 (hg19) VCF-style: chr2-88890349-T-G.
Other names: c.536A>C, p.Glu179Ala (NM_001313915.2); c.989A>C (NM_004836.5); short protein forms E179A, E330A.
Identifiers: ClinVar variation 2419088 (VCV002419088.5), dbSNP rs370390181, ClinGen allele CA1754800.

ClinVar aggregate classification (germline): Uncertain significance. Review status: criteria provided, multiple submitters, no conflicts (2 of 4 stars). 2 submissions from 2 submitters: Uncertain significance (2). Last evaluated 2025-03-01.

Conditions:
Inborn genetic diseases. Identifiers: MedGen C0950123, MeSH D030342.

Allele frequency attached by ClinVar (database versions not stated): gnomAD exomes 0.00001; ExAC 0.00003; gnomAD 0.00006; ESP Exome Variant Server 0.00008; TOPMed 0.00010.
gnomAD v4.1: 23 of 1,613,922 alleles (0.0014%); highest among the groups gnomAD compares: African/African-American, 0.029%; no homozygotes.

Submissions (2):

Ambry Genetics
Classification: Uncertain significance for Inborn genetic diseases. Last evaluated: 2025-03-01. Review status: criteria provided, single submitter. Criteria: Ambry Variant Classification Scheme 2023. Collection method: clinical testing. Allele origin: germline.

Labcorp Genetics (formerly Invitae), Labcorp
Classification: Uncertain significance. Last evaluated: 2023-11-27. Review status: criteria provided, single submitter. Criteria: Invitae Variant Classification Sherloc (09022015). Collection method: clinical testing. Allele origin: germline.
Comment: This sequence change replaces glutamic acid, which is acidic and polar, with alanine, which is neutral and non-polar, at codon 330 of the EIF2AK3 protein (p.Glu330Ala). This variant is present in population databases (rs370390181, gnomAD 0.03%). This variant has not been reported in the literature in individuals affected with EIF2AK3-related conditions. ClinVar contains an entry for this variant (Variation ID: 2419088). An algorithm developed to predict the effect of missense changes on protein structure and function (PolyPhen-2) suggests that this variant¬†is likely to be tolerated. In summary, the available evidence is currently insufficient to determine the role of this variant in disease. Therefore, it has been classified as a Variant of Uncertain Significance.